The following is an entry in ClinVar:

ClinVar aggregate classification (germline): Uncertain significance. Review status: criteria provided, multiple submitters, no conflicts (2 of 4 stars). 2 submissions from 2 submitters: Uncertain significance (2). Last evaluated 2025-08-10.

Conditions:
Orofaciodigital syndrome I (OFD1). Also called: OFDS I; Papillon-Leage and Psaume Syndrome; Oral-Facial-Digital Syndrome Type I. Identifiers: Orphanet 2750, MedGen C1510460, MONDO:0010702, OMIM 311200.
Joubert syndrome. Also called: JOUBERT-BOLTSHAUSER SYNDROME; Familial aplasia of the vermis. Identifiers: Orphanet 475, MedGen C5979921, MONDO:0018772.
Primary ciliary dyskinesia. Also called: Ciliary dyskinesia. Identifiers: Orphanet 244, MedGen C0008780, MONDO:0016575, HP:0012265.

gnomAD v4.1: 51 of 1,206,186 alleles (0.0042%); highest among the groups gnomAD compares: Non-Finnish European, 0.0056%; no homozygotes.

Submissions (2):

Ambry Genetics
Classification: Uncertain significance for Primary ciliary dyskinesia. Last evaluated: 2025-08-10. Review status: criteria provided, single submitter. Criteria: Ambry Variant Classification Scheme 2023. Collection method: clinical testing. Allele origin: germline.

Labcorp Genetics (formerly Invitae), Labcorp
Classification: Uncertain significance for Orofaciodigital syndrome I; Joubert syndrome. Last evaluated: 2024-04-07. Review status: criteria provided, single submitter. Criteria: Invitae Variant Classification Sherloc (09022015). Collection method: clinical testing. Allele origin: germline.
Comment: This sequence change replaces aspartic acid, which is acidic and polar, with histidine, which is basic and polar, at codon 975 of the OFD1 protein (p.Asp975His). This variant is present in population databases (no rsID available, gnomAD 0.003%). This variant has not been reported in the literature in individuals affected with OFD1-related conditions. Advanced modeling of protein sequence and biophysical properties (such as structural, functional, and spatial information, amino acid conservation, physicochemical variation, residue mobility, and thermodynamic stability) performed at Invitae indicates that this missense variant is not expected to disrupt OFD1 protein function with a negative predictive value of 80%. In summary, the available evidence is currently insufficient to determine the role of this variant in disease. Therefore, it has been classified as a Variant of Uncertain Significance.

NM_003611.3(OFD1):c.2923G>C (p.Asp975His)

Gene: OFD1 (OFD1 centriole and centriolar satellite protein; plus strand). Cytogenetic location: Xp22.2.
Variant type: single nucleotide variant.
Coding change: c.2923G>C on transcript NM_003611.3 (MANE Select); coding-DNA position 2923, G replaced by C.
Protein change: p.Asp975His; replaces aspartic acid 975 with histidine.
Molecular consequence: missense variant.
Genome position (GRCh38, 1-based): chrX:13,768,219, G>C. VCF-style: chrX-13768219-G-C. GRCh37 (hg19) VCF-style: chrX-13786338-G-C.
Other names: c.2803G>C, p.Asp935His (NM_001330209.2); c.2503G>C, p.Asp835His (NM_001330210.2); c.2923G>C (NM_003611.2); short protein forms D835H, D935H, D975H.
Identifiers: ClinVar variation 2930534 (VCV002930534.4), dbSNP rs1240567944, ClinGen allele CA412314081.